The following is an entry in ClinVar:

NM_022124.6(CDH23):c.1134+53C>A

Gene: CDH23 (cadherin related 23; plus strand). Cytogenetic location: 10q22.1.
Variant type: single nucleotide variant.
Coding change: c.1134+53C>A on transcript NM_022124.6 (MANE Select); 53 bases into the intron after coding-DNA position 1134, C replaced by A.
Molecular consequence: intron variant. On other transcripts: missense variant (1).
Genome position (GRCh38, 1-based): chr10:71,617,446, C>A. VCF-style: chr10-71617446-C-A. GRCh37 (hg19) VCF-style: chr10-73377203-C-A.
Other names: c.1187C>A, p.Pro396Gln (NM_001171932.2); c.1134+53C>A (NM_001171930.2, NM_001171931.2, NM_052836.4); short protein forms P396Q.
Identifiers: ClinVar variation 517615 (VCV000517615.6), dbSNP rs572222393, ClinGen allele CA5543651.

ClinVar aggregate classification (germline): Conflicting classifications of pathogenicity. Review status: criteria provided, conflicting classifications (1 of 4 stars). 3 submissions from 3 submitters: Uncertain significance (2); Likely benign (1). Last evaluated 2025-02-26.

Conditions:
CDH23-related disorder. Also called: CDH23-related condition; CDH23-related disorders.

Allele frequency attached by ClinVar (database versions not stated): gnomAD exomes 0.00010; ExAC 0.00026; gnomAD 0.00029; TOPMed 0.00033; 1000 Genomes Project 0.00120; 1000 Genomes Project 30x 0.00141.
gnomAD v4.1: 96 of 1,588,298 alleles (0.006%); highest among the groups gnomAD compares: African/African-American, 0.1%; no homozygotes.

Submissions (3):

PreventionGenetics, part of Exact Sciences
Classification: Uncertain significance for CDH23-related condition. Last evaluated: 2025-02-26. Review status: criteria provided, single submitter. Criteria: ACMG Guidelines, 2015. Collection method: clinical testing. Allele origin: germline.
Comment: The CDH23 c.1187C>A variant is predicted to result in the amino acid substitution p.Pro396Gln. To our knowledge, this variant has not been reported in the literature. This variant is reported in 0.12% of alleles in individuals of African descent in gnomAD. Although we suspect that this variant may be benign, at this time, the clinical significance of this variant is uncertain due to the absence of conclusive functional and genetic evidence.

Blueprint Genetics
Classification: Likely benign. Last evaluated: 2024-11-13. Review status: criteria provided, single submitter. Criteria: ACMG Guidelines, 2015. Collection method: clinical testing. Allele origin: germline.

Laboratory for Molecular Medicine, Mass General Brigham Personalized Medicine
Classification: Uncertain significance. Last evaluated: 2017-10-05. Review status: criteria provided, single submitter. Criteria: LMM Criteria. Collection method: clinical testing. Allele origin: germline. Observed: 1 variant allele.
Comment: Variant classified as Uncertain Significance - Favor Benign. The p.Pro396Gln var iant in CDH23 has not been previously reported in individuals with hearing loss or Usher syndrome, but has been identified in 0.12% (25/21048) of African chromo somes by the Genome Aggregation Database (gnomAD, rg; dbSNP rs572222393). Although this variant has been seen in the general popul ation, its frequency is not high enough to rule out a pathogenic role. Computati onal prediction tools and conservation analyses suggest that this variant may no t impact the protein, though this information is not predictive enough to rule o ut pathogenicity. In summary, while the clinical significance of the p.Pro396Gln variant is uncertain, these data suggest that it is more likely to be benign. A CMG/AMP Criteria applied: BP4 (Richards 2015).